The following is an entry in ClinVar:

NC_000016.9:g.(?_2098611)_(2138617_?)dup

Gene: TSC2 (TSC complex subunit 2; plus strand). Cytogenetic location: 16p13.3.
Variant type: Duplication.
Identifiers: ClinVar variation 2423313 (VCV002423313.3).

ClinVar aggregate classification (germline): Uncertain significance (1 of 4 stars; one submission).

Conditions:
Tuberous sclerosis 2 (TSC2). Identifiers: Orphanet 805, MedGen C1860707, MONDO:0013199, OMIM 613254.

Submission:

Labcorp Genetics (formerly Invitae), Labcorp
Classification: Uncertain significance for Tuberous sclerosis 2. Last evaluated: 2022-10-28. Review status: criteria provided, single submitter. Criteria: Invitae Variant Classification Sherloc (09022015). Collection method: clinical testing. Allele origin: germline.
Comment: A copy number gain of the genomic region encompassing the full coding sequence of the TSC2 gene has been identified. The boundaries of this event are unknown as they extend beyond the assayed region for this gene and therefore may encompass additional genes. As the precise location of this event is unknown, it may be in tandem or it may be located elsewhere in the genome. A similar copy number variant has been observed in individual(s) with tuberous sclerosis complex (PMID: 29432982). In summary, the available evidence is currently insufficient to determine the role of this variant in disease. Therefore, it has been classified as a Variant of Uncertain Significance.

Literature cited by the submitters: PubMed 29432982.